The following is an entry in ClinVar:

ClinVar aggregate classification (germline): Uncertain significance (1 of 4 stars; one submission).

Submission:

GeneDx
Classification: Uncertain significance. Last evaluated: 2024-12-26. Review status: criteria provided, single submitter. Criteria: GeneDx Variant Classification Process June 2021. Collection method: clinical testing. Allele origin: germline. Affected: yes.
Comment: Not observed at significant frequency in large population cohorts (gnomAD); In silico analysis indicates that this missense variant does not alter protein structure/function; Has not been previously published as pathogenic or benign to our knowledge.

NM_000540.3(RYR1):c.3897C>G (p.His1299Gln)

Gene: RYR1 (ryanodine receptor 1; plus strand). Cytogenetic location: 19q13.2.
Variant type: single nucleotide variant.
Coding change: c.3897C>G on transcript NM_000540.3 (MANE Select); coding-DNA position 3897, C replaced by G.
Protein change: p.His1299Gln; replaces histidine 1299 with glutamine.
Molecular consequence: missense variant.
Genome position (GRCh38, 1-based): chr19:38,473,508, C>G. VCF-style: chr19-38473508-C-G. GRCh37 (hg19) VCF-style: chr19-38964148-C-G.
Other names: c.3897C>G, p.His1299Gln (NM_001042723.2); short protein forms H1299Q.
Identifiers: ClinVar variation 3908003 (VCV003908003.1).